The following is an entry in ClinVar:

NM_001267550.2(TTN):c.58104C>T (p.Gly19368=)

Genes: TTN (titin; minus strand), TTN-AS1 (TTN antisense RNA 1; plus strand). Cytogenetic location: 2q31.2.
Variant type: single nucleotide variant.
Coding change: c.58104C>T on transcript NM_001267550.2 (MANE Select); coding-DNA position 58104, C replaced by T.
Protein change: p.Gly19368=; no amino-acid change (glycine 19368 retained).
Molecular consequence: synonymous variant.
Genome position (GRCh38, 1-based): chr2:178,594,390, G>A on the plus strand (C>T on the coding strand, the complement: TTN is on the minus strand). VCF-style: chr2-178594390-G-A. GRCh37 (hg19) VCF-style: chr2-179459117-G-A.
Other names: c.53181C>T, p.Gly17727= (NM_001256850.1); c.30909C>T, p.Gly10303= (NM_003319.4); c.50400C>T, p.Gly16800= (NM_133378.4); c.31284C>T, p.Gly10428= (NM_133432.3); c.31485C>T, p.Gly10495= (NM_133437.4).
Identifiers: ClinVar variation 3184662 (VCV003184662.1), dbSNP rs2469629487, ClinGen allele CA430268203.

ClinVar aggregate classification (germline): Uncertain significance (1 of 4 stars; one submission).

Conditions:
Cardiovascular phenotype. Identifiers: MedGen CN230736.

Submission:

Ambry Genetics
Classification: Uncertain significance for Cardiovascular phenotype. Last evaluated: 2020-12-08. Review status: criteria provided, single submitter. Criteria: Ambry Variant Classification Scheme 2023. Collection method: clinical testing. Allele origin: germline.
Comment: The c.30909C>T (p.G10303G) alteration is located in exon 124 (coding exon 123) of the TTN gene. This alteration consists of a C to T substitution at nucleotide position 30909. This nucleotide substitution does not change the amino acid at codon 10303. However, this change occurs in the last nucleotide of Exon 124 (c.30653_30955) which makes it likely to have some effect on normal mRNA splicing. Based on insufficient or conflicting evidence, the clinical significance of this alteration remains unclear.